The following is an entry in ClinVar:

ClinVar aggregate classification (germline): Conflicting classifications of pathogenicity. Review status: criteria provided, conflicting classifications (1 of 4 stars). 2 submissions from 2 submitters: Uncertain significance (1); Benign (1). Last evaluated 2025-01-27.

Allele frequency attached by ClinVar (database versions not stated): gnomAD 0.00001; gnomAD exomes 0.00002 and 0.00003; ExAC 0.00003; 1000 Genomes Project 30x 0.00031.
gnomAD v4.1: 28 of 1,614,086 alleles (0.0017%); highest among the groups gnomAD compares: South Asian, 0.025%; no homozygotes.

Submissions (2):

Labcorp Genetics (formerly Invitae), Labcorp
Classification: Benign. Last evaluated: 2025-01-27. Review status: criteria provided, single submitter. Criteria: Invitae Variant Classification Sherloc (09022015). Collection method: clinical testing. Allele origin: germline.

GeneDx
Classification: Uncertain significance. Last evaluated: 2020-10-27. Review status: criteria provided, single submitter. Criteria: GeneDx Variant Classification Process June 2021. Collection method: clinical testing. Allele origin: germline. Affected: yes.
Comment: Has not been previously published as pathogenic or benign to our knowledge; In silico analysis, which includes splice predictors and evolutionary conservation, suggests this variant may impact gene splicing. In the absence of RNA/functional studies, the actual effect of this sequence change is unknown.

NM_015559.3(SETBP1):c.2148C>T (p.Ser716=)

Gene: SETBP1 (SET binding protein 1; plus strand). Cytogenetic location: 18q12.3.
Variant type: single nucleotide variant.
Coding change: c.2148C>T on transcript NM_015559.3 (MANE Select); coding-DNA position 2148, C replaced by T.
Protein change: p.Ser716=; no amino-acid change (serine 716 retained).
Molecular consequence: synonymous variant.
Genome position (GRCh38, 1-based): chr18:44,951,488, C>T. VCF-style: chr18-44951488-C-T. GRCh37 (hg19) VCF-style: chr18-42531453-C-T.
Other names: c.2148C>T, p.Ser716= (NM_001379141.1, NM_001379142.1).
Identifiers: ClinVar variation 1313595 (VCV001313595.7), dbSNP rs762804357, ClinGen allele CA8945719.
Genomic context (GRCh38, chr18:44,951,488, plus strand): 5'-AGAGACCAGCCCTGGGGCAGCAGCCATTGAAAGCAAACTGGGCAAGCAGATTAATGTCAG[C>T]AAGAGGGGAACCATCTACATTGGCAAGAAGCGGGGCAGGAAGCCAAGAGCAGAGCTGCCA-3'
Protein context (NP_056374.2, residues 706-726): ESKLGKQINV[Ser716=]KRGTIYIGKK